The following is an entry in ClinVar:

ClinVar aggregate classification (germline): Conflicting classifications of pathogenicity. Review status: criteria provided, conflicting classifications (1 of 4 stars). 3 submissions from 3 submitters: Uncertain significance (1); Likely benign (2). Last evaluated 2026-08-26.

Conditions:
Neurodevelopmental disorder with hypotonia, stereotypic hand movements, and impaired language. Also called: Intellectual disability, autosomal dominant 20. Identifiers: Orphanet 228384, Orphanet 664410, MedGen C3150700, MONDO:0013266, OMIM 613443.
Inborn genetic diseases. Identifiers: MedGen C0950123, MeSH D030342.

Allele frequency attached by ClinVar (database versions not stated): gnomAD 0.00001 and 0.00003; gnomAD exomes 0.00002 and 0.00001; TOPMed 0.00002; ExAC 0.00002.
gnomAD v4.1: 36 of 1,613,850 alleles (0.0022%); highest among the groups gnomAD compares: East Asian, 0.058%; no homozygotes.

Submissions (3):

Ambry Genetics
Classification: Likely benign for Inborn genetic diseases. Last evaluated: 2026-08-26. Review status: criteria provided, single submitter. Criteria: Ambry Variant Classification Scheme 2023. Collection method: clinical testing. Allele origin: germline.

Labcorp Genetics (formerly Invitae), Labcorp
Classification: Likely benign for Neurodevelopmental disorder with hypotonia, stereotypic hand movements, and impaired language. Last evaluated: 2024-09-06. Review status: criteria provided, single submitter. Criteria: Invitae Variant Classification Sherloc (09022015). Collection method: clinical testing. Allele origin: germline.

GeneDx
Classification: Uncertain significance. Last evaluated: 2018-08-14. Review status: criteria provided, single submitter. Criteria: GeneDx Variant Classification (06012015). Collection method: clinical testing. Allele origin: germline. Affected: yes.
Comment: The A103V variant in the MEF2C gene has been reported previously in an individual with non-syndromic pulmonary atresia with ventricular septal defect; however, familial segregation information and a developmental history were not provided (Kodo et al., 2012). Additionally, this variant has not been previously reported in association with epilepsy, to our knowledge. The A103V variant was not observed in approximately 6,000 individuals of European and African American ancestry in the NHLBI Exome Sequencing Project, indicating it is not a common benign variant in these populations. The A103V variant is a conservative amino acid substitution, which is not likely to impact secondary protein structure as these residues share similar properties. However, this substitution occurs at a position that is conserved across species. In evaluating the effect of A103V on cardiac function, functional studies of A103V indicate that it causes significant gain of function activity on the promotor of Smyd1, which is essential for early cardiomyocyte differentiation (Kodo et al., 2012). However, in silico analysis is inconsistent in its predictions as to whether or not the variant is damaging to the protein structure/function. Therefore, based on the currently available information, we interpret A103V as a variant of uncertain significance.

Literature cited by the submitters: PubMed 22498567 (cited by Ambry Genetics).

NM_002397.5(MEF2C):c.308C>T (p.Ala103Val)

Gene: MEF2C (myocyte enhancer factor 2C; minus strand). Cytogenetic location: 5q14.3.
Variant type: single nucleotide variant.
Coding change: c.308C>T on transcript NM_002397.5 (MANE Select); coding-DNA position 308, C replaced by T.
Protein change: p.Ala103Val; replaces alanine 103 with valine.
Molecular consequence: missense variant. On other transcripts: 5 prime UTR variant (2), intron variant (10).
Genome position (GRCh38, 1-based): chr5:88,761,279, G>A on the plus strand (C>T on the coding strand, the complement: MEF2C is on the minus strand). VCF-style: chr5-88761279-G-A. GRCh37 (hg19) VCF-style: chr5-88057096-G-A.
Other names: c.308C>T, p.Ala103Val (NM_001193347.1, NM_001193350.2, NM_001308002.3 and 20 more transcripts); c.-71C>T (NM_001364353.2, NM_001364356.2); c.259-9236C>T (NM_001364344.2, NM_001364354.2, NM_001364332.2 and 3 more transcripts); c.259-154C>T (NM_001131005.2, NM_001364352.2, NM_001364343.2); c.-24-9236C>T (NM_001364357.2); short protein forms A103V.
Identifiers: ClinVar variation 380275 (VCV000380275.11), dbSNP rs755436703, ClinGen allele CA3337341.